The following is an entry in ClinVar:

ClinVar aggregate classification (germline): Conflicting classifications of pathogenicity. Review status: criteria provided, conflicting classifications (1 of 4 stars). 3 submissions from 3 submitters: Likely pathogenic (1); Uncertain significance (2). Last evaluated 2024-05-02.

Conditions:
Epilepsy, idiopathic generalized, susceptibility to, 13. Also called: EPILEPSY, JUVENILE MYOCLONIC, SUSCEPTIBILITY TO, 5. Identifiers: Orphanet 307, Orphanet 64280, MedGen C4013473, MONDO:0012627, OMIM 611136.
Epilepsy, childhood absence 4 (ECA4). Also called: EPILEPSY, CHILDHOOD ABSENCE, SUSCEPTIBILITY TO, 4. Identifiers: Orphanet 307, MedGen C1970160.
Idiopathic generalized epilepsy. Also called: Generalised epilepsy; EIG. Identifiers: MedGen C0270850, MONDO:0005579, OMIM 600669.
Developmental and epileptic encephalopathy, 19 (DEE19). Also called: Epileptic encephalopathy, early infantile, 19. Identifiers: Orphanet 33069, MedGen C3810400, MONDO:0014328, OMIM 615744.

Submissions (3):

Labcorp Genetics (formerly Invitae), Labcorp
Classification: Uncertain significance for Epilepsy, childhood absence 4; Epilepsy, idiopathic generalized, susceptibility to, 13; Idiopathic generalized epilepsy. Last evaluated: 2024-05-02. Review status: criteria provided, single submitter. Criteria: Invitae Variant Classification Sherloc (09022015). Collection method: clinical testing. Allele origin: germline.
Comment: This sequence change replaces aspartic acid, which is acidic and polar, with asparagine, which is neutral and polar, at codon 314 of the GABRA1 protein (p.Asp314Asn). This variant is not present in population databases (gnomAD no frequency). This variant has not been reported in the literature in individuals affected with GABRA1-related conditions. ClinVar contains an entry for this variant (Variation ID: 421667). Advanced modeling of protein sequence and biophysical properties (such as structural, functional, and spatial information, amino acid conservation, physicochemical variation, residue mobility, and thermodynamic stability) performed at Invitae indicates that this missense variant is expected to disrupt GABRA1 protein function with a positive predictive value of 95%. In summary, the available evidence is currently insufficient to determine the role of this variant in disease. Therefore, it has been classified as a Variant of Uncertain Significance.

Clinical Genetics and Genomics, Karolinska University Hospital
Classification: Uncertain significance for Developmental and epileptic encephalopathy, 19. Last evaluated: 2024-04-28. Review status: criteria provided, single submitter. Criteria: ACMG Guidelines, 2015. Collection method: clinical testing. Allele origin: germline. Inheritance: Autosomal dominant inheritance. Affected: yes.
Comment: The p.Asp314Asn variant has not been reported in public databases (gnomAD v2.1.1). Unfortunately no follow-up on parental samples can be done for this patient. It has been reported in ClinVar as likely pathogenic. In silico analysis predicts the variant to be deleterious. In summary, the variant is classified as a variant of unknown significance.

GeneDx
Classification: Likely pathogenic. Last evaluated: 2016-07-06. Review status: criteria provided, single submitter. Criteria: GeneDx Variant Classification (06012015). Collection method: clinical testing. Allele origin: germline. Affected: yes.
Comment: The D314N variant has not been published as a pathogenic variant, nor has it been reported as a benign variant to our knowledge. It was not observed in approximately 6,500 individuals of European and African American ancestry in the NHLBI Exome Sequencing Project, indicating it is not a common benign variant in these populations. The D314N variant is a semi-conservative amino acid substitution that alters a conserved position in the third transmembrane segment, and in silico analysis predicts the D314N variant is probably damaging to the protein structure/function. Therefore, this variant is likely pathogenic; however, the possibility that it is benign cannot be excluded.

NM_001127644.2(GABRA1):c.940G>A (p.Asp314Asn)

Gene: GABRA1 (gamma-aminobutyric acid type A receptor subunit alpha1; plus strand). Cytogenetic location: 5q34.
Variant type: single nucleotide variant.
Coding change: c.940G>A on transcript NM_001127644.2 (MANE Select); coding-DNA position 940, G replaced by A.
Protein change: p.Asp314Asn; replaces aspartic acid 314 with asparagine.
Molecular consequence: missense variant.
Genome position (GRCh38, 1-based): chr5:161,895,749, G>A. VCF-style: chr5-161895749-G-A. GRCh37 (hg19) VCF-style: chr5-161322755-G-A.
Other names: c.940G>A, p.Asp314Asn (NM_000806.5, NM_001127643.2, NM_001127645.2 and 1 more transcripts); short protein forms D314N.
Identifiers: ClinVar variation 421667 (VCV000421667.5), dbSNP rs1064795283, ClinGen allele CA16618157.